The following is an entry in ClinVar:

NM_004104.5(FASN):c.836C>T (p.Ser279Leu)

Gene: FASN (fatty acid synthase; minus strand). Cytogenetic location: 17q25.3.
Variant type: single nucleotide variant.
Coding change: c.836C>T on transcript NM_004104.5 (MANE Select); coding-DNA position 836, C replaced by T.
Protein change: p.Ser279Leu; replaces serine 279 with leucine.
Molecular consequence: missense variant.
Genome position (GRCh38, 1-based): chr17:82,092,755, G>A on the plus strand (C>T on the coding strand, the complement: FASN is on the minus strand). VCF-style: chr17-82092755-G-A. GRCh37 (hg19) VCF-style: chr17-80050631-G-A.
Other names: short protein forms S279L.
Identifiers: ClinVar variation 573182 (VCV000573182.13), dbSNP rs377076774, ClinGen allele CA8853367.

ClinVar aggregate classification (germline): Uncertain significance. Review status: criteria provided, multiple submitters, no conflicts (2 of 4 stars). 3 submissions from 3 submitters: Uncertain significance (3). Last evaluated 2025-08-15.

Conditions:
Epileptic encephalopathy. Identifiers: MedGen C0543888, HP:0200134.

Allele frequency attached by ClinVar (database versions not stated): gnomAD 0.00004; TOPMed 0.00007; ExAC 0.00015; 1000 Genomes Project 30x 0.00031; 1000 Genomes Project 0.00040; gnomAD exomes 0.00002 and 0.00011; ESP Exome Variant Server 0.00008.
gnomAD v4.1: 53 of 1,605,976 alleles (0.0033%); highest among the groups gnomAD compares: Admixed American, 0.034%; 1 homozygote.

Submissions (3):

Labcorp Genetics (formerly Invitae), Labcorp
Classification: Uncertain significance for Epileptic encephalopathy. Last evaluated: 2025-08-15. Review status: criteria provided, single submitter. Criteria: Invitae Variant Classification Sherloc (09022015). Collection method: clinical testing. Allele origin: germline.
Comment: This sequence change replaces serine, which is neutral and polar, with leucine, which is neutral and non-polar, at codon 279 of the FASN protein (p.Ser279Leu). This variant is present in population databases (rs377076774, gnomAD 0.06%), and has an allele count higher than expected for a pathogenic variant. This variant has not been reported in the literature in individuals affected with FASN-related conditions. ClinVar contains an entry for this variant (Variation ID: 573182). An algorithm developed to predict the effect of missense changes on protein structure and function (PolyPhen-2) suggests that this variant is likely to be tolerated. In summary, the available evidence is currently insufficient to determine the role of this variant in disease. Therefore, it has been classified as a Variant of Uncertain Significance.

Ambry Genetics
Classification: Uncertain significance. Last evaluated: 2024-01-19. Review status: criteria provided, single submitter. Criteria: Ambry Variant Classification Scheme 2023. Collection method: clinical testing. Allele origin: germline.

Fulgent Genetics
Classification: Uncertain significance for Epileptic encephalopathy. Last evaluated: 2018-10-31. Review status: criteria provided, single submitter. Criteria: ACMG Guidelines, 2015. Collection method: clinical testing. Allele origin: unknown.